The following is an entry in ClinVar:

ClinVar aggregate classification (germline): Conflicting classifications of pathogenicity. Review status: criteria provided, conflicting classifications (1 of 4 stars). 3 submissions from 3 submitters: Uncertain significance (1); Likely benign (2). Last evaluated 2025-11-26.

Conditions:
Cardiovascular phenotype. Identifiers: MedGen CN230736.
Familial hypobetalipoproteinemia 1. Also called: Hypobetalipoproteinemia, normotriglyceridemic; Acanthocytosis with hypobetalipoproteinemia; APOB-Related Familial Hypobetalipoproteinemia. Identifiers: MedGen C4551990, MONDO:0014252, OMIM 615558.
Hypercholesterolemia, autosomal dominant, type B (FHCL2). Also called: Familial Hypercholesterolemia Type B; APOLIPOPROTEIN B-100, FAMILIAL DEFECTIVE; APOLIPOPROTEIN B-100, FAMILIAL LIGAND-DEFECTIVE; HYPERCHOLESTEROLEMIA, FAMILIAL, DUE TO LIGAND-DEFECTIVE APOLIPOPROTEIN B; Familial hypercholesterolemia 2; APOB-Related Familial Hypercholesterolemia, Autosomal Dominant. Identifiers: MedGen C1704417, MONDO:0007751, OMIM 144010.

Allele frequency attached by ClinVar (database versions not stated): gnomAD 0.00001; TOPMed 0.00002; gnomAD exomes 0.00005; ExAC 0.00006; ESP Exome Variant Server 0.00008.
gnomAD v4.1: 59 of 1,613,928 alleles (0.0037%); highest among the groups gnomAD compares: Non-Finnish European, 0.0045%; no homozygotes.

Submissions (3):

Labcorp Genetics (formerly Invitae), Labcorp
Classification: Likely benign for Familial hypobetalipoproteinemia 1; Hypercholesterolemia, autosomal dominant, type B. Last evaluated: 2025-11-26. Review status: criteria provided, single submitter. Criteria: Invitae Variant Classification Sherloc (09022015). Collection method: clinical testing. Allele origin: germline.

Ambry Genetics
Classification: Likely benign for Cardiovascular phenotype. Last evaluated: 2024-07-16. Review status: criteria provided, single submitter. Criteria: Ambry Variant Classification Scheme 2023. Collection method: clinical testing. Allele origin: germline.

ARUP Laboratories, Molecular Genetics and Genomics, ARUP Laboratories
Classification: Uncertain significance. Last evaluated: 2021-07-17. Review status: criteria provided, single submitter. Criteria: ARUP Molecular Germline Variant Investigation Process 2021. Collection method: clinical testing. Allele origin: germline.
Comment: The APOB c.9770A>G; p.Asn3257Ser variant (rs146178619), to our knowledge, is not reported in the medical literature but is reported in ClinVar (Variation ID: 664229). This variant is found in the non-Finnish European population with an allele frequency of 0.01% (12/113,532 alleles, including 0 homozygotes) in the Genome Aggregation Database. The asparagine at codon 3257 is moderately conserved, and computational analyses are uncertain whether this variant is neutral or deleterious (REVEL: 0.271). Due to limited information, the clinical significance of the APOB c.9770A>G; p.Asn3257Ser variant is uncertain at this time.

Literature cited by the submitters: PubMed 32770674 (cited by Ambry Genetics); PubMed 36555767 (cited by Ambry Genetics).

NM_000384.3(APOB):c.9770A>G (p.Asn3257Ser)

Gene: APOB (apolipoprotein B; minus strand). Cytogenetic location: 2p24.1.
Variant type: single nucleotide variant.
Coding change: c.9770A>G on transcript NM_000384.3 (MANE Select); coding-DNA position 9770, A replaced by G.
Protein change: p.Asn3257Ser; replaces asparagine 3257 with serine.
Molecular consequence: missense variant.
Genome position (GRCh38, 1-based): chr2:21,007,098, T>C on the plus strand (A>G on the coding strand, the complement: APOB is on the minus strand). VCF-style: chr2-21007098-T-C. GRCh37 (hg19) VCF-style: chr2-21229970-T-C.
Other names: short protein forms N3257S.
Identifiers: ClinVar variation 664229 (VCV000664229.19), dbSNP rs146178619, ClinGen allele CA066818.
Genomic context (GRCh38, chr2:21,007,098, plus strand): 5'-GCTTTTGGGAACACATAGCCGAATGCCGACATCTCTATGGTGAATGGAGACACTTCAACA[T>C]TGACAACTGGAACAGTGTATCCAGGAATTTGAAAGGTCCTGGGGAGCTCGTCGTGAGATT-3'
Protein context (NP_000375.3, residues 3247-3267): QIPGYTVPVV[Asn3257Ser]VEVSPFTIEM